The following is an entry in ClinVar:

ClinVar aggregate classification (germline): Uncertain significance (1 of 4 stars; one submission).

Conditions:
Epileptic encephalopathy. Identifiers: MedGen C0543888, HP:0200134.

Submission:

Labcorp Genetics (formerly Invitae), Labcorp
Classification: Uncertain significance for Epileptic encephalopathy. Last evaluated: 2022-08-09. Review status: criteria provided, single submitter. Criteria: Invitae Variant Classification Sherloc (09022015). Collection method: clinical testing. Allele origin: germline.
Comment: This variant, c.4337_4339del, results in the deletion of 1 amino acid(s) of the FASN protein (p.Ile1446del), but otherwise preserves the integrity of the reading frame. This variant is present in population databases (rs750351947, gnomAD 0.002%). This variant has not been reported in the literature in individuals affected with FASN-related conditions. ClinVar contains an entry for this variant (Variation ID: 569015). Experimental studies and prediction algorithms are not available or were not evaluated, and the functional significance of this variant is currently unknown. In summary, the available evidence is currently insufficient to determine the role of this variant in disease. Therefore, it has been classified as a Variant of Uncertain Significance.

NM_004104.5(FASN):c.4337_4339del (p.Ile1446del)

Gene: FASN (fatty acid synthase; minus strand). Cytogenetic location: 17q25.3.
Variant type: Deletion.
Coding change: c.4337_4339del on transcript NM_004104.5 (MANE Select); coding-DNA positions 4337 to 4339, 3 bases deleted (TCA; older notation c.4337_4339delTCA).
Protein change: p.Ile1446del; deletes isoleucine 1446.
Molecular consequence: inframe deletion.
Genome position (GRCh38, 1-based): chr17:82,085,105-82,085,107, TGA deleted on the plus strand (TCA on the coding strand, the reverse complement: FASN is on the minus strand); deleting any 3 consecutive bases within chr17:82,085,105-82,085,109 gives the same sequence; the c. name uses the placement nearest the transcript's 3' end. VCF-style (leftmost placement, unchanged base first): chr17-82085104-TTGA-T. GRCh37 (hg19) VCF-style: chr17-80042980-TTGA-T.
Other names: short protein forms I1446del.
Identifiers: ClinVar variation 569015 (VCV000569015.8), dbSNP rs750351947, ClinGen allele CA8852085.